The following is an entry in ClinVar:

NM_001079537.2(TRAPPC6B):c.283C>T (p.Gln95Ter)

Gene: TRAPPC6B (trafficking protein particle complex subunit 6B; minus strand). Cytogenetic location: 14q21.1.
Variant type: single nucleotide variant.
Coding change: c.283C>T on transcript NM_001079537.2 (MANE Select); coding-DNA position 283, C replaced by T.
Protein change: p.Gln95Ter; replaces glutamine 95 with a stop codon.
Molecular consequence: nonsense. On other transcripts: intron variant (1).
Genome position (GRCh38, 1-based): chr14:39,154,279, G>A on the plus strand (C>T on the coding strand, the complement: TRAPPC6B is on the minus strand). VCF-style: chr14-39154279-G-A. GRCh37 (hg19) VCF-style: chr14-39623483-G-A.
Other names: c.268-2440C>T (NM_177452.4); short protein forms Q95*.
Identifiers: ClinVar variation 1967580 (VCV001967580.5), dbSNP rs750417849, ClinGen allele CA7162790.

ClinVar aggregate classification (germline): Pathogenic (1 of 4 stars; one submission).

Allele frequency attached by ClinVar (database versions not stated): ExAC 0.00002.
gnomAD v4.1: 5 of 1,611,736 alleles (0.00031%); highest among the groups gnomAD compares: Non-Finnish European, 0.00042%; no homozygotes.

Submission:

Labcorp Genetics (formerly Invitae), Labcorp
Classification: Pathogenic. Last evaluated: 2022-05-08. Review status: criteria provided, single submitter. Criteria: Invitae Variant Classification Sherloc (09022015). Collection method: clinical testing. Allele origin: germline.
Comment: For these reasons, this variant has been classified as Pathogenic. The frequency data for this variant in the population databases is considered unreliable, as metrics indicate poor data quality at this position in the gnomAD database. This variant has not been reported in the literature in individuals affected with TRAPPC6B-related conditions. Algorithms developed to predict the effect of sequence changes on RNA splicing suggest that this variant may disrupt the consensus splice site. This sequence change creates a premature translational stop signal (p.Gln95*) in the TRAPPC6B gene. It is expected to result in an absent or disrupted protein product. Loss-of-function variants in TRAPPC6B are known to be pathogenic (PMID: 28626029, 31231135).

Literature cited by the submitters: PubMed 28626029; PubMed 31231135.